The following is an entry in ClinVar:

ClinVar aggregate classification (germline): Uncertain significance (1 of 4 stars; one submission).

Allele frequency attached by ClinVar (database versions not stated): gnomAD exomes 0.00001; TOPMed 0.00001.
gnomAD v4.1: 6 of 1,614,150 alleles (0.00037%); highest among the groups gnomAD compares: Non-Finnish European, 0.00042%; no homozygotes.

Submission:

GeneDx
Classification: Uncertain significance. Last evaluated: 2022-05-26. Review status: criteria provided, single submitter. Criteria: GeneDx Variant Classification Process June 2021. Collection method: clinical testing. Allele origin: germline. Affected: yes.
Comment: Not observed at significant frequency in large population cohorts (gnomAD); In silico analysis supports that this missense variant has a deleterious effect on protein structure/function; Has not been previously published as pathogenic or benign to our knowledge

NM_001429.4(EP300):c.2066C>G (p.Pro689Arg)

Gene: EP300 (E1A binding protein p300; plus strand). Cytogenetic location: 22q13.2.
Variant type: single nucleotide variant.
Coding change: c.2066C>G on transcript NM_001429.4 (MANE Select); coding-DNA position 2066, C replaced by G.
Protein change: p.Pro689Arg; replaces proline 689 with arginine.
Molecular consequence: missense variant. On other transcripts: intron variant (1).
Genome position (GRCh38, 1-based): chr22:41,146,751, C>G. VCF-style: chr22-41146751-C-G. GRCh37 (hg19) VCF-style: chr22-41542755-C-G.
Other names: c.2054-1086C>G (NM_001362843.2); short protein forms P689R.
Identifiers: ClinVar variation 1801144 (VCV001801144.1), dbSNP rs1018942944, ClinGen allele CA324533534.